The following is an entry in ClinVar:

NM_001376.5(DYNC1H1):c.1471G>C (p.Val491Leu)

Gene: DYNC1H1 (dynein cytoplasmic 1 heavy chain 1; plus strand). Cytogenetic location: 14q32.31.
Variant type: single nucleotide variant.
Coding change: c.1471G>C on transcript NM_001376.5 (MANE Select); coding-DNA position 1471, G replaced by C.
Protein change: p.Val491Leu; replaces valine 491 with leucine.
Molecular consequence: missense variant.
Genome position (GRCh38, 1-based): chr14:101,985,696, G>C. VCF-style: chr14-101985696-G-C. GRCh37 (hg19) VCF-style: chr14-102452033-G-C.
Other names: short protein forms V491L.
Identifiers: ClinVar variation 4802031 (VCV004802031.1).
Genomic context (GRCh38, chr14:101,985,696, plus strand): 5'-TAAAGCCTTCGTTTGGTCAGCATTTCTTGATTACATATCTTTCTCCTTTAGGTCACGGCA[G>C]TTGCACAACAGAATCAAGGAGAGGTCCCTGAACCCCAAGATATGAAAGTGGCTGAGGTTC-3'
Protein context (NP_001367.2, residues 481-501): VRVLRPQVTA[Val491Leu]AQQNQGEVPE

ClinVar aggregate classification (germline): Uncertain significance (1 of 4 stars; one submission).

Conditions:
Charcot-Marie-Tooth disease axonal type 2O. Also called: CHARCOT-MARIE-TOOTH NEUROPATHY, AXONAL, TYPE 2O; CHARCOT-MARIE-TOOTH DISEASE, AXONAL, AUTOSOMAL DOMINANT, TYPE 2O; Charcot-Marie-Tooth Neuropathy Type 2O; Charcot-Marie-Tooth disease, axonal, type 20. Identifiers: Orphanet 284232, MedGen C3280220, MONDO:0013644, OMIM 614228.

Submission:

Labcorp Genetics (formerly Invitae), Labcorp
Classification: Uncertain significance for Charcot-Marie-Tooth disease axonal type 2O. Last evaluated: 2025-12-31. Review status: criteria provided, single submitter. Criteria: Invitae Variant Classification Sherloc (09022015). Collection method: clinical testing. Allele origin: germline.
Comment: This sequence change replaces valine, which is neutral and non-polar, with leucine, which is neutral and non-polar, at codon 491 of the DYNC1H1 protein (p.Val491Leu). This variant is not present in population databases (gnomAD no frequency). This variant has not been reported in the literature in individuals affected with DYNC1H1-related conditions. Invitae Evidence Modeling of protein sequence and biophysical properties (such as structural, functional, and spatial information, amino acid conservation, physicochemical variation, residue mobility, and thermodynamic stability) indicates that this missense variant is not expected to disrupt DYNC1H1 protein function with a negative predictive value of 95%. In summary, the available evidence is currently insufficient to determine the role of this variant in disease. Therefore, it has been classified as a Variant of Uncertain Significance.